The following is an entry in ClinVar:

ClinVar aggregate classification (germline): Uncertain significance (1 of 4 stars; one submission).

Conditions:
Inborn genetic diseases. Identifiers: MedGen C0950123, MeSH D030342.

Submission:

Ambry Genetics
Classification: Uncertain significance for Inborn genetic diseases. Last evaluated: 2024-11-08. Review status: criteria provided, single submitter. Criteria: Ambry Variant Classification Scheme 2023. Collection method: clinical testing. Allele origin: germline.
Comment: The p.A494S variant (also known as c.1480G>T), located in coding exon 6 of the ATR gene, results from a G to T substitution at nucleotide position 1480. The alanine at codon 494 is replaced by serine, an amino acid with similar properties. This amino acid position is conserved. In addition, this alteration is predicted to be tolerated by in silico analysis. Based on the available evidence, the clinical significance of this variant remains unclear.

NM_001184.4(ATR):c.1480G>T (p.Ala494Ser)

Gene: ATR (ATR serine/threonine kinase; minus strand). Cytogenetic location: 3q23.
Variant type: single nucleotide variant.
Coding change: c.1480G>T on transcript NM_001184.4 (MANE Select); coding-DNA position 1480, G replaced by T.
Protein change: p.Ala494Ser; replaces alanine 494 with serine.
Molecular consequence: missense variant. On other transcripts: intron variant (1).
Genome position (GRCh38, 1-based): chr3:142,560,324, C>A on the plus strand (G>T on the coding strand, the complement: ATR is on the minus strand). VCF-style: chr3-142560324-C-A. GRCh37 (hg19) VCF-style: chr3-142279166-C-A.
Other names: c.1350-883G>T (NM_001354579.2); short protein forms A494S.
Identifiers: ClinVar variation 3463369 (VCV003463369.1).